The following is an entry in ClinVar:

NM_003060.4(SLC22A5):c.878C>T (p.Ala293Val)

Gene: SLC22A5 (solute carrier family 22 member 5; plus strand). Cytogenetic location: 5q31.1.
Variant type: single nucleotide variant.
Coding change: c.878C>T on transcript NM_003060.4 (MANE Select); coding-DNA position 878, C replaced by T.
Protein change: p.Ala293Val; replaces alanine 293 with valine.
Molecular consequence: missense variant.
Genome position (GRCh38, 1-based): chr5:132,387,078, C>T. VCF-style: chr5-132387078-C-T. GRCh37 (hg19) VCF-style: chr5-131722770-C-T.
Other names: c.950C>T, p.Ala317Val (NM_001308122.2); short protein forms A317V, A293V.
Identifiers: ClinVar variation 842388 (VCV000842388.10), dbSNP rs893286644, ClinGen allele CA127210490.
Genomic context (GRCh38, chr5:132,387,078, plus strand): 5'-CTGCCAGGTTCATCCCTGAGTCCCCCCGATGGCTCATCTCTCAGGGACGATTTGAAGAGG[C>T]AGAGGTGATCATCCGCAAGGCTGCCAAAGCCAATGGGATTGTTGTGCCTTCCACTATCTT-3'
Protein context (NP_003051.1, residues 283-303): WLISQGRFEE[Ala293Val]EVIIRKAAKA

ClinVar aggregate classification (germline): Uncertain significance. Review status: criteria provided, single submitter (1 of 4 stars). 2 submissions from 2 submitters: Uncertain significance (1). 1 of the submissions does not count toward it. Last evaluated 2022-08-12.

Conditions:
Decreased circulating carnitine concentration. Also called: Decreased plasma carnitine. Identifiers: MedGen C5848230, HP:0003234.
Renal carnitine transport defect (CDSP). Also called: Carnitine transporter deficiency; Carnitine Deficiency, Systemic; Systemic primary carnitine deficiency disease; Primary carnitine deficiency; Systemic primary carnitine deficiency; CARNITINE DEFICIENCY, SYSTEMIC, DUE TO DEFECT IN RENAL REABSORPTION OF CARNITINE. Identifiers: Orphanet 158, MedGen C0342788, MONDO:0008919, OMIM 212140.

Allele frequency attached by ClinVar (database versions not stated): gnomAD exomes below 0.00001; gnomAD 0.00001 and 0.00002; TOPMed 0.00001.
gnomAD v4.1: 47 of 1,613,978 alleles (0.0029%); highest among the groups gnomAD compares: Non-Finnish European, 0.0038%; no homozygotes.

Submissions (2):

Labcorp Genetics (formerly Invitae), Labcorp
Classification: Uncertain significance for Renal carnitine transport defect. Last evaluated: 2022-08-12. Review status: criteria provided, single submitter. Criteria: Invitae Variant Classification Sherloc (09022015). Collection method: clinical testing. Allele origin: germline.
Comment: This sequence change replaces alanine, which is neutral and non-polar, with valine, which is neutral and non-polar, at codon 293 of the SLC22A5 protein (p.Ala293Val). This variant is present in population databases (no rsID available, gnomAD 0.0009%). This variant has not been reported in the literature in individuals affected with SLC22A5-related conditions. ClinVar contains an entry for this variant (Variation ID: 842388). Advanced modeling of protein sequence and biophysical properties (such as structural, functional, and spatial information, amino acid conservation, physicochemical variation, residue mobility, and thermodynamic stability) performed at Invitae indicates that this missense variant is expected to disrupt SLC22A5 protein function. Algorithms developed to predict the effect of sequence changes on RNA splicing suggest that this variant may create or strengthen a splice site. In summary, the available evidence is currently insufficient to determine the role of this variant in disease. Therefore, it has been classified as a Variant of Uncertain Significance.

Natera, Inc.
Classification: Uncertain significance for Carnitine deficiency. Last evaluated: 2021-02-10. Review status: no assertion criteria provided. Collection method: clinical testing. Allele origin: germline. Not counted in ClinVar's aggregate classification.